The following is an entry in ClinVar:

NM_001130823.3(DNMT1):c.382C>A (p.Pro128Thr)

Gene: DNMT1 (DNA methyltransferase 1; minus strand). Cytogenetic location: 19p13.2.
Variant type: single nucleotide variant.
Coding change: c.382C>A on transcript NM_001130823.3 (MANE Select); coding-DNA position 382, C replaced by A.
Protein change: p.Pro128Thr; replaces proline 128 with threonine.
Molecular consequence: missense variant.
Genome position (GRCh38, 1-based): chr19:10,180,413, G>T on the plus strand (C>A on the coding strand, the complement: DNMT1 is on the minus strand). VCF-style: chr19-10180413-G-T. GRCh37 (hg19) VCF-style: chr19-10291089-G-T.
Other names: p.Pro128Thr; c.382C>A, p.Pro128Thr (NM_001318730.2, NM_001379.4); c.19C>A, p.Pro7Thr (NM_001318731.2); c.382C>A (NM_001130823.2, LRG_362t1); short protein forms P128T, P7T.
Identifiers: ClinVar variation 246583 (VCV000246583.21), dbSNP rs146601335, ClinGen allele CA9188775.

ClinVar aggregate classification (germline): Conflicting classifications of pathogenicity. Review status: criteria provided, conflicting classifications (1 of 4 stars). 7 submissions from 7 submitters: Uncertain significance (2); Benign (1); Likely benign (4). Last evaluated 2026-01-27.

Conditions:
DNMT1-related disorder. Also called: DNMT1-related condition. Identifiers: MedGen CN381527.
Inborn genetic diseases. Identifiers: MedGen C0950123, MeSH D030342.
Hereditary sensory neuropathy-deafness-dementia syndrome. Also called: HSN IE; Hereditary Sensory and Autonomic Neuropathy Type 1E (HSAN1E); Hereditary sensory neuropathy type IE; NEUROPATHY, HEREDITARY SENSORY, WITH HEARING LOSS AND DEMENTIA. Identifiers: Orphanet 456318, MedGen C3279885, MONDO:0013584, OMIM 614116.

Allele frequency attached by ClinVar (database versions not stated): gnomAD 0.00013; TOPMed 0.00026; ESP Exome Variant Server 0.00038.
gnomAD v4.1: 437 of 1,613,924 alleles (0.027%); highest among the groups gnomAD compares: Non-Finnish European, 0.034%; no homozygotes.

Submissions (7):

Labcorp Genetics (formerly Invitae), Labcorp
Classification: Uncertain significance for Hereditary sensory neuropathy-deafness-dementia syndrome. Last evaluated: 2026-01-27. Review status: criteria provided, single submitter. Criteria: Invitae Variant Classification Sherloc (09022015). Collection method: clinical testing. Allele origin: germline.
Comment: This sequence change replaces proline, which is neutral and non-polar, with threonine, which is neutral and polar, at codon 128 of the DNMT1 protein (p.Pro128Thr). This variant is present in population databases (rs146601335, gnomAD 0.03%), and has an allele count higher than expected for a pathogenic variant. This variant has not been reported in the literature in individuals affected with DNMT1-related conditions. ClinVar contains an entry for this variant (Variation ID: 246583). An algorithm developed to predict the effect of missense changes on protein structure and function (PolyPhen-2) suggests that this variant is likely to be tolerated. In summary, the available evidence is currently insufficient to determine the role of this variant in disease. Therefore, it has been classified as a Variant of Uncertain Significance.

Mayo Clinic Laboratories, Mayo Clinic
Classification: Likely benign. Last evaluated: 2025-11-27. Review status: criteria provided, single submitter. Criteria: ACMG Guidelines, 2015. Collection method: clinical testing. Allele origin: germline. Observed: 2 variant alleles.
Comment: BS2, BP4

PreventionGenetics, part of Exact Sciences
Classification: Likely benign for DNMT1-related condition. Last evaluated: 2025-03-31. Review status: criteria provided, single submitter. Criteria: ACMG Guidelines, 2015. Collection method: clinical testing. Allele origin: germline.
Comment: This variant is classified as likely benign based on ACMG/AMP sequence variant interpretation guidelines (Richards et al. 2015 PMID: 25741868, with internal and published modifications).

Victorian Clinical Genetics Services, Murdoch Childrens Research Institute
Classification: Likely benign for Hereditary sensory neuropathy-deafness-dementia syndrome. Last evaluated: 2020-05-01. Review status: criteria provided, single submitter. Criteria: ACMG Guidelines, 2015. Collection method: clinical testing. Allele origin: germline. Inheritance: Autosomal dominant inheritance.
Comment: Based on the classification scheme VCGS_Germline_v1.1.1, this variant is classified as likely benign. Following criteria are met: 0102 - Loss-of-function is a known mechanism of disease for this gene. (N) 0107 - This gene is known to be associated with autosomal dominant disease. (N) 0200 - Variant is predicted to result in a missense amino acid change from proline to threonine (exon 4). (N) 0251 - Variant is heterozygous. (N) 0302 - Variant is present in gnomAD <0.001 for a dominant condition (48 heterozygotes, 0 homozygotes). (P) 0309 - Multiple alternative amino acid changes at the same position have been observed in gnomAD (highest allele frequency: 9 heterozygotes, 0 homozygotes). (N) 0503 - Missense variant consistently predicted to be tolerated or not conserved in mammals with a minor amino acid change. (B) 0504 - Same amino acid change has been observed in mammals. (B) 0600 - Variant is located in an annotated domain or motif (MIP-T3 superfamily; NCBI). (N) 0708 - Comparable variant (p.Pro128Ser) has been reported as a VUS (ClinVar). (N) 0806 – This variant has been reported as both likely benign (LOVD) and as a VUS (ClinVar). (N) 0905 - No segregation evidence has been identified for this variant in the literature. (N) 1007 - No published functional evidence has been identified for this variant. (N) 1208 - Inheritance information for this variant is not currently available. (N) Legend: (P) - Pathogenic, (N) - Neutral, (B) - Benign

Ambry Genetics
Classification: Likely benign for Inborn genetic diseases. Last evaluated: 2019-11-18. Review status: criteria provided, single submitter. Criteria: Ambry Variant Classification Scheme 2023. Collection method: clinical testing. Allele origin: germline.

Illumina Laboratory Services, Illumina
Classification: Benign for Hereditary sensory neuropathy-deafness-dementia syndrome. Last evaluated: 2018-01-12. Review status: criteria provided, single submitter. Criteria: ICSL Variant Classification Criteria 13 December 2019. Collection method: clinical testing. Allele origin: germline.
Comment: This variant was observed in the ICSL laboratory as part of a predisposition screen in an ostensibly healthy population. It had not been previously curated by ICSL or reported in the Human Gene Mutation Database (HGMD: prior to June 1st, 2018), and was therefore a candidate for classification through an automated scoring system. Utilizing variant allele frequency, disease prevalence and penetrance estimates, and inheritance mode, an automated score was calculated to assess if this variant is too frequent to cause the disease. Based on the score and internal cut-off values, a variant classified as benign is not then subjected to further curation. The score for this variant resulted in a classification of benign for this disease.

GeneDx
Classification: Uncertain significance. Last evaluated: 2017-04-04. Review status: criteria provided, single submitter. Criteria: GeneDx Variant Classification (06012015). Collection method: clinical testing. Allele origin: germline. Affected: yes.
Comment: A variant of uncertain significance has been identified in the DNMT1 gene. The P128T variant has not been published as a pathogenic variant, nor has it been reported as a benign variant to our knowledge. The P128T variant is observed in 18/66,718 (0.03%) alleles from individuals of European background (Lek et al., 2016; 1000 Genomes Consortium et al., 2015; Exome Variant Server). The P128T variant is a non-conservative amino acid substitution, which is likely to impact secondary protein structure as these residues differ in polarity, charge, size and/or other properties. However, this substitution occurs at a position that is not conserved, and in silico analysis predicts this variant likely does not alter the protein structure/function. Therefore, based on the currently available information, it is unclear whether this variant is a pathogenic variant or a rare benign variant.